The following is an entry in ClinVar:

NM_005560.6(LAMA5):c.6466G>A (p.Gly2156Arg)

Gene: LAMA5 (laminin subunit alpha 5; minus strand). Cytogenetic location: 20q13.33.
Variant type: single nucleotide variant.
Coding change: c.6466G>A on transcript NM_005560.6 (MANE Select); coding-DNA position 6466, G replaced by A.
Protein change: p.Gly2156Arg; replaces glycine 2156 with arginine.
Molecular consequence: missense variant.
Genome position (GRCh38, 1-based): chr20:62,322,049, C>T on the plus strand (G>A on the coding strand, the complement: LAMA5 is on the minus strand). VCF-style: chr20-62322049-C-T. GRCh37 (hg19) VCF-style: chr20-60897105-C-T.
Other names: c.6466G>A (NM_005560.4); short protein forms G2156R.
Identifiers: ClinVar variation 4623432 (VCV004623432.2).

ClinVar aggregate classification (germline): Uncertain significance. Review status: criteria provided, multiple submitters, no conflicts (2 of 4 stars). 2 submissions from 2 submitters: Uncertain significance (2). Last evaluated 2026-04-02.

Conditions:
Inborn genetic diseases. Identifiers: MedGen C0950123, MeSH D030342.
LAMA5-related disorder. Also called: LAMA5-Related Disorders; LAMA5-related condition.

gnomAD v4.1: 40 of 1,599,266 alleles (0.0025%); highest among the groups gnomAD compares: African/African-American, 0.012%; no homozygotes.

Submissions (2):

PreventionGenetics, part of Exact Sciences
Classification: Uncertain significance for LAMA5-related condition. Last evaluated: 2026-04-02. Review status: criteria provided, single submitter. Criteria: ACMG Guidelines, 2015. Collection method: clinical testing. Allele origin: germline.
Comment: The LAMA5 c.6466G>A variant is predicted to result in the amino acid substitution p.Gly2156Arg. To our knowledge, this variant has not been reported in the literature. This variant is reported in 0.012% of alleles in individuals of African descent in gnomAD. At this time, the clinical significance of this variant is uncertain due to the absence of conclusive functional and genetic evidence.

Ambry Genetics
Classification: Uncertain significance for Inborn genetic diseases. Last evaluated: 2025-09-25. Review status: criteria provided, single submitter. Criteria: Ambry Variant Classification Scheme 2023. Collection method: clinical testing. Allele origin: germline.